The following is an entry in ClinVar:

ClinVar aggregate classification (germline): Uncertain significance. Review status: criteria provided, multiple submitters, no conflicts (2 of 4 stars). 4 submissions from 4 submitters: Uncertain significance (4). Last evaluated 2026-04-16.

Conditions:
A2ML1-related disorder. Also called: A2ML1-related condition.

Allele frequency attached by ClinVar (database versions not stated): gnomAD exomes 0.00001; ExAC 0.00002; TOPMed 0.00002; ESP Exome Variant Server 0.00008.
gnomAD v4.1: 17 of 1,614,140 alleles (0.0011%); highest among the groups gnomAD compares: African/African-American, 0.0013%; no homozygotes.

Submissions (4):

PreventionGenetics, part of Exact Sciences
Classification: Uncertain significance for A2ML1-related condition. Last evaluated: 2026-04-16. Review status: criteria provided, single submitter. Criteria: ACMG Guidelines, 2015. Collection method: clinical testing. Allele origin: germline.
Comment: The A2ML1 c.540T>G variant is predicted to result in the amino acid substitution p.Ile180Met. To our knowledge, this variant has not been reported in the literature. This variant is reported in 0.0018% of alleles in individuals of European (Non-Finnish) descent in gnomAD. At this time, the clinical significance of this variant is uncertain due to the absence of conclusive functional and genetic evidence.

Labcorp Genetics (formerly Invitae), Labcorp
Classification: Uncertain significance. Last evaluated: 2025-05-14. Review status: criteria provided, single submitter. Criteria: Invitae Variant Classification Sherloc (09022015). Collection method: clinical testing. Allele origin: germline.
Comment: This sequence change replaces isoleucine, which is neutral and non-polar, with methionine, which is neutral and non-polar, at codon 180 of the A2ML1 protein (p.Ile180Met). This variant is present in population databases (rs377551636, gnomAD 0.002%). This variant has not been reported in the literature in individuals affected with A2ML1-related conditions. ClinVar contains an entry for this variant (Variation ID: 1098766). An algorithm developed to predict the effect of missense changes on protein structure and function (PolyPhen-2) suggests that this variant is likely to be disruptive. In summary, the available evidence is currently insufficient to determine the role of this variant in disease. Therefore, it has been classified as a Variant of Uncertain Significance.

Ambry Genetics
Classification: Uncertain significance. Last evaluated: 2023-01-15. Review status: criteria provided, single submitter. Criteria: Ambry Variant Classification Scheme 2023. Collection method: clinical testing. Allele origin: germline.
Comment: The p.I180M variant (also known as c.540T>G), located in coding exon 6 of the A2ML1 gene, results from a T to G substitution at nucleotide position 540. The isoleucine at codon 180 is replaced by methionine, an amino acid with highly similar properties. This amino acid position is conserved. In addition, this alteration is predicted to be tolerated by in silico analysis. Since supporting evidence is limited at this time, the clinical significance of this alteration remains unclear.

Women's Health and Genetics/Laboratory Corporation of America, LabCorp
Classification: Uncertain significance. Last evaluated: 2021-05-02. Review status: criteria provided, single submitter. Criteria: LabCorp Variant Classification Summary - May 2015. Collection method: clinical testing. Allele origin: germline.
Comment: Variant summary: A2ML1 c.540T>G (p.Ile180Met) results in a conservative amino acid change located in the Macroglobulin domain (IPR002890) of the encoded protein sequence. Four of five in-silico tools predict a benign effect of the variant on protein function. The variant allele was found at a frequency of 8e-06 in 249550 control chromosomes. The available data on variant occurrences in the general population are insufficient to allow any conclusion about variant significance. To our knowledge, no occurrence of c.540T>G in individuals affected with Noonan Syndrome and no experimental evidence demonstrating its impact on protein function have been reported. No clinical diagnostic laboratories have submitted clinical-significance assessments for this variant to ClinVar after 2014. Based on the evidence outlined above, the variant was classified as uncertain significance.

NM_144670.6(A2ML1):c.540T>G (p.Ile180Met)

Gene: A2ML1 (alpha-2-macroglobulin like 1; plus strand). Cytogenetic location: 12p13.31.
Variant type: single nucleotide variant.
Coding change: c.540T>G on transcript NM_144670.6 (MANE Select); coding-DNA position 540, T replaced by G.
Protein change: p.Ile180Met; replaces isoleucine 180 with methionine.
Molecular consequence: missense variant.
Genome position (GRCh38, 1-based): chr12:8,835,563, T>G. VCF-style: chr12-8835563-T-G. GRCh37 (hg19) VCF-style: chr12-8988159-T-G.
Other names: c.540T>G (NM_144670.3); short protein forms I180M.
Identifiers: ClinVar variation 1098766 (VCV001098766.6), dbSNP rs377551636, ClinGen allele CA6435356.